The following is an entry in ClinVar:

NM_181426.2(CCDC39):c.1167+1261A>G

Gene: CCDC39 (coiled-coil domain 39 molecular ruler complex subunit; minus strand). Cytogenetic location: 3q26.33.
Variant type: single nucleotide variant.
Coding change: c.1167+1261A>G on transcript NM_181426.2 (MANE Select); 1261 bases into the intron after coding-DNA position 1167, A replaced by G.
Molecular consequence: intron variant.
Genome position (GRCh38, 1-based): chr3:180,650,140, T>C on the plus strand (A>G on the coding strand, the complement: CCDC39 is on the minus strand). VCF-style: chr3-180650140-T-C. GRCh37 (hg19) VCF-style: chr3-180367928-T-C.
Identifiers: ClinVar variation 410378 (VCV000410378.19), dbSNP rs577069249, ClinGen allele CA16611181.

ClinVar aggregate classification (germline): Pathogenic/Likely pathogenic. Review status: criteria provided, multiple submitters, no conflicts (2 of 4 stars). 7 submissions from 7 submitters: Pathogenic (5); Likely pathogenic (1). 1 of the submissions does not count toward it. Last evaluated 2026-01-08.

Conditions:
CCDC39-related disorder. Also called: CCDC39-related condition.
Primary ciliary dyskinesia. Also called: Ciliary dyskinesia. Identifiers: Orphanet 244, MedGen C0008780, MONDO:0016575, HP:0012265.
Primary ciliary dyskinesia 14. Also called: CILIARY DYSKINESIA, PRIMARY, 14, WITH OR WITHOUT SITUS INVERSUS. Identifiers: Orphanet 244, MedGen C3151136, MONDO:0013434, OMIM 613807.

Allele frequency attached by ClinVar (database versions not stated): TOPMed 0.00044; gnomAD 0.00048 and 0.00051; 1000 Genomes Project 0.00060.
gnomAD v4.1: 71 of 152,296 alleles (0.047%); highest among the groups gnomAD compares: African/African-American, 0.17%; no homozygotes.

Submissions (7):

Labcorp Genetics (formerly Invitae), Labcorp
Classification: Pathogenic for Primary ciliary dyskinesia. Last evaluated: 2026-01-08. Review status: criteria provided, single submitter. Criteria: Invitae Variant Classification Sherloc (09022015). Collection method: clinical testing. Allele origin: germline.
Comment: This sequence change falls in intron 9 of the CCDC39 gene. It does not directly change the encoded amino acid sequence of the CCDC39 protein. RNA analysis indicates that this variant induces altered splicing and may result in an absent or altered protein product. This variant is present in population databases (rs577069249, gnomAD 0.2%), and has an allele count higher than expected for a pathogenic variant. This variant has been observed in individual(s) with primary ciliary dyskinesia (PMID: 21131972; internal data). In at least one individual the data is consistent with being in trans (on the opposite chromosome) from a pathogenic variant. ClinVar contains an entry for this variant (Variation ID: 410378). Studies have shown that this variant results in activation of a pseudo-exon in intron 9, and produces a non-functional protein and/or introduces a premature termination codon (PMID: 21131972). For these reasons, this variant has been classified as Pathogenic.

GeneDx
Classification: Pathogenic. Last evaluated: 2024-06-13. Review status: criteria provided, single submitter. Criteria: GeneDx Variant Classification Process June 2021. Collection method: clinical testing. Allele origin: germline.
Comment: Published functional studies demonstrate this variant results in activation of a pseudo-exon in intron 9 and is predicted to lead to p.(Glu390Serfs*6) (PMID: 21131972); This variant is associated with the following publications: (PMID: 21131972, 35051411, 31469207, 30067075, 22693285, 34768622)

Fulgent Genetics
Classification: Pathogenic for Primary ciliary dyskinesia 14. Last evaluated: 2024-04-12. Review status: criteria provided, single submitter. Criteria: ACMG Guidelines, 2015. Collection method: clinical testing. Allele origin: germline.

Women's Health and Genetics/Laboratory Corporation of America, LabCorp
Classification: Pathogenic for Primary ciliary dyskinesia 14. Last evaluated: 2024-03-06. Review status: criteria provided, single submitter. Criteria: LabCorp Variant Classification Summary - May 2015. Collection method: clinical testing. Allele origin: germline.
Comment: Variant summary: CCDC39 c.1167+1261A>G is located at a position not widely known to affect splicing. Several computational tools predict a significant impact on normal splicing: Four predict the variant creates a 5' donor site. However, these predictions have yet to be confirmed by functional studies. The variant allele was found at a frequency of 0.00061 in 31404 control chromosomes. c.1167+1261A>G has been reported in the literature in multiple homozygous and compound heterozygous individuals affected with Primary ciliary dyskinesia (e.g. Mani_2019, Davis_2019, Blanchon_2012, Alsamri_2021). These data indicate that the variant is very likely to be associated with disease. To our knowledge, no experimental evidence demonstrating an impact on protein function has been reported. The following publications have been ascertained in the context of this evaluation (PMID: 34768622, 22693285, 30067075, 31469207). ClinVar contains an entry for this variant (Variation ID: 410378). Based on the evidence outlined above, the variant was classified as pathogenic.

Blueprint Genetics
Classification: Likely pathogenic for CCDC39-related disorders. Last evaluated: 2022-06-07. Review status: criteria provided, single submitter. Criteria: ACMG Guidelines, 2015. Collection method: clinical testing. Allele origin: germline. Affected: yes. Observed: 2 variant alleles.

UNC Molecular Genetics  Laboratory, University of North Carolina at Chapel Hill
Classification: Pathogenic for Primary ciliary dyskinesia. Last evaluated: 2018-03-07. Review status: criteria provided, single submitter. Criteria: ACMG Guidelines, 2015. Collection method: clinical testing. Allele origin: germline. Observed: 1 heterozygote.

Yale Center for Mendelian Genomics, Yale University
Classification: Likely pathogenic for Primary ciliary dyskinesia. Last evaluated: 2018-08-01. Review status: no assertion criteria provided. Collection method: literature only. Allele origin: germline. Affected: yes. Observed: 1 compound heterozygote, 1 homozygote. Study: Yale Center for Mendelian Genomics. Not counted in ClinVar's aggregate classification.

Literature cited by the submitters: PubMed 21131972 (cited by Labcorp Genetics (formerly Invitae), Labcorp and UNC Molecular Genetics  Laboratory, University of North Carolina at Chapel Hill); PubMed 34768622 (cited by Women's Health and Genetics/Laboratory Corporation of America, LabCorp); PubMed 22693285 (cited by Women's Health and Genetics/Laboratory Corporation of America, LabCorp and UNC Molecular Genetics  Laboratory, University of North Carolina at Chapel Hill); PubMed 30067075 (cited by Women's Health and Genetics/Laboratory Corporation of America, LabCorp and Yale Center for Mendelian Genomics, Yale University); PubMed 31469207 (cited by Women's Health and Genetics/Laboratory Corporation of America, LabCorp).